The following is an entry in ClinVar:

NM_182641.4(BPTF):c.3350G>A (p.Ser1117Asn)

Gene: BPTF (bromodomain PHD finger transcription factor; plus strand). Cytogenetic location: 17q24.2.
Variant type: single nucleotide variant.
Coding change: c.3350G>A on transcript NM_182641.4 (MANE Select); coding-DNA position 3350, G replaced by A.
Protein change: p.Ser1117Asn; replaces serine 1117 with asparagine.
Molecular consequence: missense variant.
Genome position (GRCh38, 1-based): chr17:67,911,234, G>A. VCF-style: chr17-67911234-G-A. GRCh37 (hg19) VCF-style: chr17-65907350-G-A.
Other names: c.3539G>A, p.Ser1180Asn (NM_001439139.1, NM_001439141.1, NM_001439143.1 and 1 more transcripts); c.3728G>A, p.Ser1243Asn (NM_001439140.1, NM_001439142.1, NM_004459.7); short protein forms S1117N, S1180N, S1243N.
Identifiers: ClinVar variation 4781695 (VCV004781695.1).
Genomic context (GRCh38, chr17:67,911,234, plus strand): 5'-ATTCTTCAAAAAATCTCTCTGAATCACCAGTAATAACGAAAGCAAAAGAAGGGTGTCAGA[G>A]TGACTCGATGAGACAAGAACAGAGCCCAAATGCAAATAATGATCAACCTGAGGACTTGAT-3'
Protein context (NP_872579.2, residues 1107-1127): VITKAKEGCQ[Ser1117Asn]DSMRQEQSPN

ClinVar aggregate classification (germline): Uncertain significance (1 of 4 stars; one submission).

gnomAD v4.1: 2 of 1,613,888 alleles (0.00012%); highest among the groups gnomAD compares: Non-Finnish European, 0.00017%; no homozygotes.

Submission:

Labcorp Genetics (formerly Invitae), Labcorp
Classification: Uncertain significance. Last evaluated: 2025-05-27. Review status: criteria provided, single submitter. Criteria: Invitae Variant Classification Sherloc (09022015). Collection method: clinical testing. Allele origin: germline.
Comment: This sequence change replaces serine, which is neutral and polar, with asparagine, which is neutral and polar, at codon 1243 of the BPTF protein (p.Ser1243Asn). This variant is present in population databases (rs376335246, gnomAD 0.007%). This variant has not been reported in the literature in individuals affected with BPTF-related conditions. An algorithm developed to predict the effect of missense changes on protein structure and function (PolyPhen-2) suggests that this variant is likely to be tolerated. In summary, the available evidence is currently insufficient to determine the role of this variant in disease. Therefore, it has been classified as a Variant of Uncertain Significance.